The following is an entry in ClinVar:

NM_000666.3(ACY1):c.465_466delinsAA (p.Met155_Glu156delinsIleLys)

Genes: ABHD14A-ACY1 (ABHD14A-ACY1 readthrough; plus strand), ACY1 (aminoacylase 1; plus strand). Cytogenetic location: 3p21.2.
Variant type: Indel.
Coding change: c.465_466delinsAA on transcript NM_000666.3 (MANE Select); coding-DNA positions 465 to 466, GG replaced by AA.
Protein change: p.Met155_Glu156delinsIleLys.
Molecular consequence: missense variant. On other transcripts: intron variant (1).
Genome position (GRCh38, 1-based): chr3:51,986,443-51,986,444, GG replaced by AA. VCF-style: chr3-51986443-GG-AA. GRCh37 (hg19) VCF-style: chr3-52020459-GG-AA.
Other names: c.735_736delinsAA, p.Met245_Glu246delinsIleLys (NM_001316331.2); c.465_466delinsAA, p.Met155_Glu156delinsIleLys (NM_001198895.2, NM_001198897.2); c.360_361delinsAA, p.Met120_Glu121delinsIleLys (NM_001198898.2); c.311-162_311-161delinsAA (NM_001198896.2).
Identifiers: ClinVar variation 4688335 (VCV004688335.1).

ClinVar aggregate classification (germline): Uncertain significance (1 of 4 stars; one submission).

Submission:

Women's Health and Genetics/Laboratory Corporation of America, LabCorp
Classification: Uncertain significance. Last evaluated: 2025-12-12. Review status: criteria provided, single submitter. Criteria: LabCorp Variant Classification Summary - May 2015. Collection method: clinical testing. Allele origin: germline.
Comment: Variant summary: ACY1 c.465_466delinsAA (p.Met155_Glu156delinsIleLys) results in an in-frame deletion-insertion that is predicted to delete/insert 2 amino acids from the protein and also cause changes in 2 amino acids. The variant allele was found at a frequency of 3.2e-05 in 279354 control chromosomes. The available data on variant occurrences in the general population are insufficient to allow any conclusion about variant significance. To our knowledge, no occurrence of c.465_466delinsAA in individuals affected with ACY1-related conditions and no experimental evidence demonstrating its impact on protein function have been reported. No submitters have cited clinical-significance assessments for this variant to ClinVar. Based on the evidence outlined above, the variant was classified as uncertain significance.